The following is an entry in ClinVar:

NM_020779.4(WDR35):c.309C>T (p.Gly103=)

Gene: WDR35 (WD repeat domain 35; minus strand). Cytogenetic location: 2p24.1.
Variant type: single nucleotide variant.
Coding change: c.309C>T on transcript NM_020779.4 (MANE Select); coding-DNA position 309, C replaced by T.
Protein change: p.Gly103=; no amino-acid change (glycine 103 retained).
Molecular consequence: synonymous variant.
Genome position (GRCh38, 1-based): chr2:19,978,878, G>A on the plus strand (C>T on the coding strand, the complement: WDR35 is on the minus strand). VCF-style: chr2-19978878-G-A. GRCh37 (hg19) VCF-style: chr2-20178639-G-A.
Other names: c.309C>T, p.Gly103= (NM_001006657.2).
Identifiers: ClinVar variation 4882038 (VCV004882038.2).

ClinVar aggregate classification (germline): Uncertain significance (1 of 4 stars; one submission).

Submission:

Dasa
Classification: Uncertain significance. Last evaluated: 2025-06-20. Review status: criteria provided, single submitter. Criteria: DASA Assertion Criteria. Collection method: clinical testing. Allele origin: germline.
Comment: NM_020779.4(WDR35):c.309C>T (p.Gly103=) is a synonymous variant predicted not to alter the encoded amino acid sequence. This variant is rare in population databases. Computational prediction algorithms are consistent with a benign effect. The currently available literature and clinical evidence are not sufficient to establish a definitive association between this variant and the reported condition. Therefore, this variant is classified as a variant of uncertain significance.